The following is an entry in ClinVar:

ClinVar aggregate classification (germline): other (0 of 4 stars; one submission).

Conditions:
Familial colorectal cancer. Identifiers: MedGen CN280943, MONDO:0023113. Disease mechanism: loss of function.

Allele frequency attached by ClinVar (database versions not stated): gnomAD 0.65650 and 0.66364; gnomAD exomes 0.67081; TOPMed 0.68170; 1000 Genomes Project 30x 0.74469; 1000 Genomes Project 0.74840.
gnomAD v4.1: 137,270 of 206,356 alleles (67%); highest among the groups gnomAD compares: East Asian, 91%; 46,260 homozygotes.

Submission:

Systems Biology Platform Zhejiang California International NanoSystems Institute
Classification: other for Familial colorectal cancer. Review status: no assertion criteria provided. Collection method: not provided. Allele origin: unknown.
ClinVar note: Converted during submission from cancer to other.

NM_000038.6(APC):c.531+2326T>C

Gene: APC (APC regulator of WNT signaling pathway; plus strand). Cytogenetic location: 5q22.2.
Variant type: single nucleotide variant.
Coding change: c.531+2326T>C on transcript NM_000038.6 (MANE Select); 2326 bases into the intron after coding-DNA position 531, T replaced by C.
Molecular consequence: intron variant.
Genome position (GRCh38, 1-based): chr5:112,778,063, T>C. VCF-style: chr5-112778063-T-C. GRCh37 (hg19) VCF-style: chr5-112113760-T-C.
Other names: c.531+2326T>C (NM_001354895.2, NM_001127510.3, NM_001354896.2 and 2 more transcripts); c.561+2326T>C (NM_001354897.2, NM_001354902.2, NM_001127511.3); c.456+2326T>C (NM_001354898.2, NM_001354904.2); c.-505+2326T>C (NM_001354906.2); c.354+2326T>C (NM_001354900.2, NM_001354901.2, NM_001354905.2).
Identifiers: ClinVar variation 82926 (VCV000082926.2), dbSNP rs401908, ClinGen allele CA010162.